The following is an entry in ClinVar:

ClinVar aggregate classification (germline): Uncertain significance. Review status: criteria provided, multiple submitters, no conflicts (2 of 4 stars). 2 submissions from 2 submitters: Uncertain significance (2). Last evaluated 2024-08-10.

Conditions:
Inborn genetic diseases. Identifiers: MedGen C0950123, MeSH D030342.

Allele frequency attached by ClinVar (database versions not stated): ExAC 0.00002.

Submissions (2):

Ambry Genetics
Classification: Uncertain significance for Inborn genetic diseases. Last evaluated: 2024-08-10. Review status: criteria provided, single submitter. Criteria: Ambry Variant Classification Scheme 2023. Collection method: clinical testing. Allele origin: germline.

Labcorp Genetics (formerly Invitae), Labcorp
Classification: Uncertain significance. Last evaluated: 2023-07-31. Review status: criteria provided, single submitter. Criteria: Invitae Variant Classification Sherloc (09022015). Collection method: clinical testing. Allele origin: germline.
Comment: In summary, the available evidence is currently insufficient to determine the role of this variant in disease. Therefore, it has been classified as a Variant of Uncertain Significance. Advanced modeling of protein sequence and biophysical properties (such as structural, functional, and spatial information, amino acid conservation, physicochemical variation, residue mobility, and thermodynamic stability) performed at Invitae indicates that this missense variant is not expected to disrupt TCF3 protein function. This variant has not been reported in the literature in individuals affected with TCF3-related conditions. The frequency data for this variant in the population databases is considered unreliable, as metrics indicate poor data quality at this position in the gnomAD database. This sequence change replaces alanine, which is neutral and non-polar, with threonine, which is neutral and polar, at codon 290 of the TCF3 protein (p.Ala290Thr).

NM_003200.5(TCF3):c.868G>A (p.Ala290Thr)

Gene: TCF3 (transcription factor 3; minus strand). Cytogenetic location: 19p13.3.
Variant type: single nucleotide variant.
Coding change: c.868G>A on transcript NM_003200.5 (MANE Select); coding-DNA position 868, G replaced by A.
Protein change: p.Ala290Thr; replaces alanine 290 with threonine.
Molecular consequence: missense variant.
Genome position (GRCh38, 1-based): chr19:1,621,925, C>T on the plus strand (G>A on the coding strand, the complement: TCF3 is on the minus strand). VCF-style: chr19-1621925-C-T. GRCh37 (hg19) VCF-style: chr19-1621924-C-T.
Other names: c.868G>A (NM_003200.3); c.868G>A, p.Ala290Thr (NM_001136139.4, NM_001351778.2, NM_001351779.2); short protein forms A290T.
Identifiers: ClinVar variation 2876827 (VCV002876827.4), dbSNP rs775661168, ClinGen allele CA9050191.